The following is an entry in ClinVar:

ClinVar aggregate classification (germline): Uncertain significance. Review status: criteria provided, multiple submitters, no conflicts (2 of 4 stars). 4 submissions from 4 submitters: Uncertain significance (4). Last evaluated 2026-06-22.

Conditions:
PLEC-related disorder. Also called: PLEC-related disorders; PLEC-related condition.
Autosomal recessive limb-girdle muscular dystrophy type 2Q (LGMDR17). Also called: MUSCULAR DYSTROPHY, LIMB-GIRDLE, AUTOSOMAL RECESSIVE 17. Identifiers: Orphanet 254361, MedGen C3150989, MONDO:0013390, OMIM 613723.
Epidermolysis bullosa simplex with nail dystrophy (EBS5D). Identifiers: MedGen C4225309, MONDO:0014661, OMIM 616487.
Epidermolysis bullosa simplex 5C, with pyloric atresia (EBS5C). Also called: PLEC-Related Epidermolysis Bullosa with Pyloric Atresia; Epidermolysis bullosa simplex with pyloric atresia; PLEC1-Related Epidermolysis Bullosa with Pyloric Atresia. Identifiers: Orphanet 158684, MedGen C2677349, MONDO:0012807, OMIM 612138.
Epidermolysis bullosa simplex, Ogna type (EBS5A). Also called: Pidermolysis bullosa simplex 5A, Ogna type; EPIDERMOLYSIS BULLOSA SIMPLEX 5A, OGNA TYPE. Identifiers: Orphanet 79401, MedGen C0432317, MONDO:0007555, OMIM 131950.
Epidermolysis bullosa simplex 5B, with muscular dystrophy (EBS5B). Also called: EPIDERMOLYSIS BULLOSA SIMPLEX AND LIMB-GIRDLE MUSCULAR DYSTROPHY; Epidermolysis bullosa simplex with muscular dystrophy. Identifiers: Orphanet 257, MedGen C2931072, MONDO:0009181, OMIM 226670.

Allele frequency attached by ClinVar (database versions not stated): 1000 Genomes Project 30x 0.00016; 1000 Genomes Project 0.00020; TOPMed 0.00022.
gnomAD v4.1: 274 of 1,613,302 alleles (0.017%); highest among the groups gnomAD compares: Admixed American, 0.042%; no homozygotes.

Submissions (4):

PreventionGenetics, part of Exact Sciences
Classification: Uncertain significance for PLEC-related condition. Last evaluated: 2026-06-22. Review status: criteria provided, single submitter. Criteria: ACMG Guidelines, 2015. Collection method: clinical testing. Allele origin: germline.
Comment: The PLEC c.7451G>A variant is predicted to result in the amino acid substitution p.Arg2484His. To our knowledge, this variant has not been reported in the literature. This variant is reported in 0.015% of alleles in individuals of East Asian descent in gnomAD. At this time, the clinical significance of this variant is uncertain due to the absence of conclusive functional and genetic evidence.

Labcorp Genetics (formerly Invitae), Labcorp
Classification: Uncertain significance for Autosomal recessive limb-girdle muscular dystrophy type 2Q; Epidermolysis bullosa simplex, Ogna type; Epidermolysis bullosa simplex with nail dystrophy; Epidermolysis bullosa simplex 5C, with pyloric atresia; Epidermolysis bullosa simplex 5B, with muscular dystrophy. Last evaluated: 2026-01-17. Review status: criteria provided, single submitter. Criteria: Invitae Variant Classification Sherloc (09022015). Collection method: clinical testing. Allele origin: germline.
Comment: This sequence change replaces arginine, which is basic and polar, with histidine, which is basic and polar, at codon 2484 of the PLEC protein (p.Arg2484His). This variant is present in population databases (rs199504105, gnomAD 0.02%). This variant has not been reported in the literature in individuals affected with PLEC-related conditions. ClinVar contains an entry for this variant (Variation ID: 471646). An algorithm developed to predict the effect of missense changes on protein structure and function outputs the following: PolyPhen-2: "Probably Damaging". The histidine amino acid residue is found in multiple mammalian species, which suggests that this missense change does not adversely affect protein function. In summary, the available evidence is currently insufficient to determine the role of this variant in disease. Therefore, it has been classified as a Variant of Uncertain Significance.

Mayo Clinic Laboratories, Mayo Clinic
Classification: Uncertain significance. Last evaluated: 2025-07-10. Review status: criteria provided, single submitter. Criteria: ACMG Guidelines, 2015. Collection method: clinical testing. Allele origin: germline. Observed: 1 variant allele.
Comment: BP4

Revvity Omics, Revvity
Classification: Uncertain significance. Last evaluated: 2025-04-16. Review status: criteria provided, single submitter. Criteria: ACMG Guidelines, 2015. Collection method: clinical testing. Allele origin: germline.

NM_201384.3(PLEC):c.7370G>A (p.Arg2457His)

Gene: PLEC (plectin; minus strand). Cytogenetic location: 8q24.3.
Variant type: single nucleotide variant.
Coding change: c.7370G>A on transcript NM_201384.3 (MANE Select); coding-DNA position 7370, G replaced by A.
Protein change: p.Arg2457His; replaces arginine 2457 with histidine.
Molecular consequence: missense variant.
Genome position (GRCh38, 1-based): chr8:143,922,559, C>T on the plus strand (G>A on the coding strand, the complement: PLEC is on the minus strand). VCF-style: chr8-143922559-C-T. GRCh37 (hg19) VCF-style: chr8-144996727-C-T.
Other names: p.Arg2484His; c.7451G>A, p.Arg2484His (NM_000445.5); c.7328G>A, p.Arg2443His (NM_201378.4); c.7304G>A, p.Arg2435His (NM_201379.3); c.7781G>A, p.Arg2594His (NM_201380.4); c.7274G>A, p.Arg2425His (NM_201381.3); c.7370G>A, p.Arg2457His (NM_201382.4); c.7382G>A, p.Arg2461His (NM_201383.3); short protein forms R2435H, R2443H, R2484H, R2425H, R2461H, R2457H, R2594H.
Identifiers: ClinVar variation 471646 (VCV000471646.17), dbSNP rs199504105, ClinGen allele CA4925673.